The following is an entry in ClinVar:

NM_015570.4(AUTS2):c.244T>A (p.Ser82Thr)

Gene: AUTS2 (activator of transcription and developmental regulator AUTS2; plus strand). Cytogenetic location: 7q11.22.
Variant type: single nucleotide variant.
Coding change: c.244T>A on transcript NM_015570.4 (MANE Select); coding-DNA position 244, T replaced by A.
Protein change: p.Ser82Thr; replaces serine 82 with threonine.
Molecular consequence: missense variant.
Genome position (GRCh38, 1-based): chr7:69,599,897, T>A. VCF-style: chr7-69599897-T-A. GRCh37 (hg19) VCF-style: chr7-69064883-T-A.
Other names: c.244T>A, p.Ser82Thr (NM_001127231.3, NM_001127232.3); short protein forms S82T.
Identifiers: ClinVar variation 3772566 (VCV003772566.13).
Genomic context (GRCh38, chr7:69,599,897, plus strand): 5'-CCCCCGTCCTCCGCCCCGTCCCGGCCCAGACCCCCGCGGAGGAAGCGGAGAGAGTCCACC[T>A]CGGCAGAAGAGGACATCATTGATGGATTTGCCATGACCAGCTTTGTCACTTTTGAAGCGC-3'
Protein context (NP_056385.1, residues 72-92): PPRRKRREST[Ser82Thr]AEEDIIDGFA

ClinVar aggregate classification (germline): Uncertain significance (1 of 4 stars; one submission).

Submission:

CeGaT Center for Human Genetics Tuebingen
Classification: Uncertain significance. Last evaluated: 2025-02-01. Review status: criteria provided, single submitter. Criteria: CeGaT Center For Human Genetics Tuebingen Variant Classification Criteria Version 2. Collection method: clinical testing. Allele origin: germline. Affected: yes. Observed: 1 variant allele.
Comment: AUTS2: PM2